The following is an entry in ClinVar:

NM_000498.3(CYP11B2):c.940G>A (p.Gly314Arg)

Genes: CYP11B2 (cytochrome P450 family 11 subfamily B member 2; minus strand), LOC106799834 (CYP11B2 recombination region; plus strand). Cytogenetic location: 8q24.3.
Variant type: single nucleotide variant.
Coding change: c.940G>A on transcript NM_000498.3 (MANE Select); coding-DNA position 940, G replaced by A.
Protein change: p.Gly314Arg; replaces glycine 314 with arginine.
Molecular consequence: missense variant.
Genome position (GRCh38, 1-based): chr8:142,914,278, C>T on the plus strand (G>A on the coding strand, the complement: CYP11B2 is on the minus strand). VCF-style: chr8-142914278-C-T. GRCh37 (hg19) VCF-style: chr8-143995694-C-T.
Other names: short protein forms G314R.
Identifiers: ClinVar variation 3617382 (VCV003617382.2).

ClinVar aggregate classification (germline): Uncertain significance (1 of 4 stars; one submission).

Submission:

Labcorp Genetics (formerly Invitae), Labcorp
Classification: Uncertain significance. Last evaluated: 2024-09-22. Review status: criteria provided, single submitter. Criteria: Invitae Variant Classification Sherloc (09022015). Collection method: clinical testing. Allele origin: germline.
Comment: This sequence change replaces glycine, which is neutral and non-polar, with arginine, which is basic and polar, at codon 314 of the CYP11B2 protein (p.Gly314Arg). This variant is not present in population databases (gnomAD no frequency). This missense change has been observed in individual(s) with aldosterone synthase deficiency (internal data). In at least one individual the data is consistent with being in trans (on the opposite chromosome) from a pathogenic variant. An algorithm developed to predict the effect of missense changes on protein structure and function (PolyPhen-2) suggests that this variant is likely to be disruptive. In summary, the available evidence is currently insufficient to determine the role of this variant in disease. Therefore, it has been classified as a Variant of Uncertain Significance.